The following is an entry in ClinVar:

NM_198428.3(BBS9):c.1322C>T (p.Thr441Met)

Gene: BBS9 (Bardet-Biedl syndrome 9; plus strand). Cytogenetic location: 7p14.3.
Variant type: single nucleotide variant.
Coding change: c.1322C>T on transcript NM_198428.3 (MANE Select); coding-DNA position 1322, C replaced by T.
Protein change: p.Thr441Met; replaces threonine 441 with methionine.
Molecular consequence: missense variant. On other transcripts: non-coding transcript variant (3).
Genome position (GRCh38, 1-based): chr7:33,344,627, C>T. VCF-style: chr7-33344627-C-T. GRCh37 (hg19) VCF-style: chr7-33384239-C-T.
Other names: c.1322C>T, p.Thr441Met (NM_001033604.2, NM_001033605.2, NM_001348036.1 and 5 more transcripts); c.956C>T, p.Thr319Met (NM_001348037.3, NM_001348044.3, NM_001348045.3 and 1 more transcripts); c.1049C>T, p.Thr350Met (NM_001348038.3, NM_001348039.3); c.1187C>T, p.Thr396Met (NM_001348042.3); short protein forms T441M, T350M, T396M, T319M.
Identifiers: ClinVar variation 434503 (VCV000434503.12), dbSNP rs140675013, ClinGen allele CA4214254.

ClinVar aggregate classification (germline): Uncertain significance. Review status: criteria provided, multiple submitters, no conflicts (2 of 4 stars). 5 submissions from 5 submitters: Uncertain significance (4). 1 of the submissions does not count toward it. Last evaluated 2022-08-23.

Conditions:
Bardet-Biedl syndrome 9 (BBS9). Identifiers: Orphanet 110, MedGen C1859567, MONDO:0014437, OMIM 615986.
BBS9-related disorder. Also called: BBS9-related condition.
Bardet-Biedl syndrome (BBS). Identifiers: Orphanet 110, MedGen C0752166, MONDO:0015229.

Allele frequency attached by ClinVar (database versions not stated): TOPMed 0.00003; gnomAD 0.00004; gnomAD exomes 0.00005 and 0.00009; ESP Exome Variant Server 0.00008; ExAC 0.00015.
gnomAD v4.1: 76 of 1,613,698 alleles (0.0047%); highest among the groups gnomAD compares: Admixed American, 0.025%; no homozygotes.

Submissions (5):

Labcorp Genetics (formerly Invitae), Labcorp
Classification: Uncertain significance for Bardet-Biedl syndrome. Last evaluated: 2022-08-23. Review status: criteria provided, single submitter. Criteria: Invitae Variant Classification Sherloc (09022015). Collection method: clinical testing. Allele origin: germline.
Comment: This sequence change replaces threonine, which is neutral and polar, with methionine, which is neutral and non-polar, at codon 441 of the BBS9 protein (p.Thr441Met). This variant is present in population databases (rs140675013, gnomAD 0.04%). This variant has not been reported in the literature in individuals affected with BBS9-related conditions. ClinVar contains an entry for this variant (Variation ID: 434503). Algorithms developed to predict the effect of missense changes on protein structure and function (SIFT, PolyPhen-2, Align-GVGD) all suggest that this variant is likely to be disruptive. In summary, the available evidence is currently insufficient to determine the role of this variant in disease. Therefore, it has been classified as a Variant of Uncertain Significance.

Blueprint Genetics
Classification: Uncertain significance. Last evaluated: 2022-02-03. Review status: criteria provided, single submitter. Criteria: ACMG Guidelines, 2015. Collection method: clinical testing. Allele origin: germline.

Fulgent Genetics
Classification: Uncertain significance for Bardet-Biedl syndrome 9. Last evaluated: 2021-10-19. Review status: criteria provided, single submitter. Criteria: ACMG Guidelines, 2015. Collection method: clinical testing. Allele origin: unknown.

Genetic Services Laboratory, University of Chicago
Classification: Uncertain significance. Last evaluated: 2016-02-22. Review status: criteria provided, single submitter. Criteria: ACMG Guidelines, 2015. Collection method: clinical testing. Allele origin: germline. Affected: no.

PreventionGenetics, part of Exact Sciences
Classification: Uncertain significance for BBS9-related condition. Last evaluated: 2024-01-09. Review status: no assertion criteria provided. Collection method: clinical testing. Allele origin: germline. Not counted in ClinVar's aggregate classification.
Comment: The BBS9 c.1322C>T variant is predicted to result in the amino acid substitution p.Thr441Met. To our knowledge, this variant has not been reported in the literature. This variant is reported in 0.040% of alleles in individuals of Latino descent in gnomAD. At this time, the clinical significance of this variant is uncertain due to the absence of conclusive functional and genetic evidence.